The following is an entry in ClinVar:

NM_016042.4(EXOSC3):c.691T>G (p.Phe231Val)

Gene: EXOSC3 (exosome component 3; minus strand). Cytogenetic location: 9p13.2.
Variant type: single nucleotide variant.
Coding change: c.691T>G on transcript NM_016042.4 (MANE Select); coding-DNA position 691, T replaced by G.
Protein change: p.Phe231Val; replaces phenylalanine 231 with valine.
Molecular consequence: missense variant. On other transcripts: 3 prime UTR variant (1).
Genome position (GRCh38, 1-based): chr9:37,780,816, A>C on the plus strand (T>G on the coding strand, the complement: EXOSC3 is on the minus strand). VCF-style: chr9-37780816-A-C. GRCh37 (hg19) VCF-style: chr9-37780813-A-C.
Other names: c.*44T>G (NM_001002269.2); short protein forms F231V.
Identifiers: ClinVar variation 2043038 (VCV002043038.1), dbSNP rs374094769, ClinGen allele CA5062679.

ClinVar aggregate classification (germline): Uncertain significance (1 of 4 stars; one submission).

Conditions:
Pontocerebellar hypoplasia type 1B. Also called: EXOSC3 Pontocerebellar Hypoplasia. Identifiers: Orphanet 2254, MedGen C3553449, MONDO:0013853, OMIM 614678.

Allele frequency attached by ClinVar (database versions not stated): gnomAD exomes below 0.00001; ExAC 0.00001; gnomAD 0.00001; TOPMed 0.00002; ESP Exome Variant Server 0.00008.
gnomAD v4.1: 4 of 1,613,766 alleles (0.00025%); highest among the groups gnomAD compares: Non-Finnish European, 0.00034%; no homozygotes.

Submission:

Labcorp Genetics (formerly Invitae), Labcorp
Classification: Uncertain significance for Pontocerebellar hypoplasia type 1B. Last evaluated: 2022-03-12. Review status: criteria provided, single submitter. Criteria: Invitae Variant Classification Sherloc (09022015). Collection method: clinical testing. Allele origin: germline.
Comment: This sequence change replaces phenylalanine, which is neutral and non-polar, with valine, which is neutral and non-polar, at codon 231 of the EXOSC3 protein (p.Phe231Val). This variant is present in population databases (rs374094769, gnomAD 0.002%). This variant has not been reported in the literature in individuals affected with EXOSC3-related conditions. Algorithms developed to predict the effect of missense changes on protein structure and function (SIFT, PolyPhen-2, Align-GVGD) all suggest that this variant is likely to be tolerated. In summary, the available evidence is currently insufficient to determine the role of this variant in disease. Therefore, it has been classified as a Variant of Uncertain Significance.